The following is an entry in ClinVar:

NM_000492.4(CFTR):c.4273_4274del (p.Asp1425fs)

Genes: CFTR (CF transmembrane conductance regulator; plus strand), LOC111674477 (CFTR intron 23 enhancer; plus strand). Cytogenetic location: 7q31.2.
Variant type: Deletion.
Coding change: c.4273_4274del on transcript NM_000492.4 (MANE Select); coding-DNA positions 4273 to 4274, 2 bases deleted (GA; older notation c.4273_4274delGA).
Protein change: p.Asp1425fs; shifts the reading frame from aspartic acid 1425.
Molecular consequence: frameshift variant.
Genome position (GRCh38, 1-based): chr7:117,666,938-117,666,939, GA deleted. VCF-style (leftmost placement, unchanged base first): chr7-117666937-CGA-C. GRCh37 (hg19) VCF-style: chr7-117306991-CGA-C.
Other names: c.4273_4274delGA (NM_000492.4); short protein forms D1425fs.
Identifiers: ClinVar variation 3385209 (VCV003385209.1).
Genomic context (GRCh38, chr7:117,666,937, plus strand): 5'-TCCCAGATCTCACTAACAGCCATTTCCCTAGGTCATAGAAGAGAACAAAGTGCGGCAGTA[CGA>C]TTCCATCCAGAAACTGCTGAACGAGAGGAGCCTCTTCCGGCAAGCCATCAGCCCCTCCGA-3'

ClinVar aggregate classification (germline): Pathogenic (1 of 4 stars; one submission).

Conditions:
Cystic fibrosis (CF). Also called: MUCOVISCIDOSIS. Identifiers: Orphanet 586, MedGen C0010674, MONDO:0009061, OMIM 219700. Disease mechanism: loss of function.

Submission:

Women's Health and Genetics/Laboratory Corporation of America, LabCorp
Classification: Pathogenic for Cystic fibrosis. Last evaluated: 2024-10-30. Review status: criteria provided, single submitter. Criteria: LabCorp Variant Classification Summary - May 2015. Collection method: clinical testing. Allele origin: germline.
Comment: Variant summary: CFTR c.4273_4274delGA (p.Asp1425PhefsX36) results in a premature termination codon, predicted to cause a truncation of the encoded protein that includes part of the ABC transporter-like, ATP-binding domain (IPR003439). Although it is not expected to results in nonsense mediated decay, other downstream truncating variants have been classified as pathogenic. The variant was absent in 250688 control chromosomes (gnomAD). To our knowledge, no occurrence of c.4273_4274delGA in individuals affected with Cystic Fibrosis and no experimental evidence demonstrating its impact on protein function have been reported. No submitters have cited clinical-significance assessments for this variant to ClinVar. Based on the evidence outlined above, the variant was classified as pathogenic.